The following is an entry in ClinVar:

ClinVar aggregate classification (germline): Pathogenic (1 of 4 stars; one submission).

Conditions:
NBAS-related disorder. Also called: NBAS-related condition.

Submission:

Life Science Institute, Zhejiang University
Classification: Pathogenic for NBAS-related disorder. Last evaluated: 2026-08-06. Review status: criteria provided, single submitter. Criteria: ACMG Guidelines, 2015. Collection method: research. Allele origin: germline. Inheritance: Autosomal recessive inheritance. Affected: yes. Observed: 1 variant allele, 1 compound heterozygote.
Comment: The NM_015909.4(NBAS):c.1726-1G>T variant affects the invariant splice acceptor site of exon 17 and is predicted to disrupt normal splicing, resulting in loss of NBAS function. Loss of function is an established disease mechanism for autosomal recessive NBAS-related disorder. This variant was identified in an affected individual (P1) in trans with NM_015909.4(NBAS):c.5139-5T>G, a previously reported NBAS disease-associated splice-region variant, with parental testing supporting compound heterozygosity. The variant was absent from population databases evaluated in the study, including gnomAD, ChinaMAP, and Kaviar. The affected individual showed clinical features compatible with NBAS-related disease. Based on the predicted splice-disrupting effect, absence from population databases, occurrence in trans with another NBAS disease-associated variant in an affected individual, and compatible clinical phenotype, this variant was classified as pathogenic according to ACMG/AMP criteria.

NM_015909.4(NBAS):c.1726-1G>T

Gene: NBAS (NBAS subunit of NRZ tethering complex; minus strand). Cytogenetic location: 2p24.3.
Variant type: single nucleotide variant.
Coding change: c.1726-1G>T on transcript NM_015909.4 (MANE Select); the canonical splice acceptor site of the intron before coding-DNA position 1726, G replaced by T.
Molecular consequence: splice acceptor variant.
Genome position (GRCh38, 1-based): chr2:15,468,534, C>A on the plus strand (G>T on the coding strand, the complement: NBAS is on the minus strand). VCF-style: chr2-15468534-C-A. GRCh37 (hg19) VCF-style: chr2-15608658-C-A.
Identifiers: ClinVar variation 4880275 (VCV004880275.1).
Genomic context (GRCh38, chr2:15,468,534, plus strand): 5'-ATTTTCAGGAACTCTTTCCAAACACTCATGGAGAACCCAGGATCGCTTCTTTATTTTACT[C>A]TGCATATAAAGGAAGAAACAGAGGAATTACAGAATCCATGACATCTTACAACACATTACA-3'